The following is an entry in ClinVar:

NM_000057.4(BLM):c.3609G>A (p.Ala1203=)

Gene: BLM (BLM RecQ like helicase; plus strand). Cytogenetic location: 15q26.1.
Variant type: single nucleotide variant.
Coding change: c.3609G>A on transcript NM_000057.4 (MANE Select); coding-DNA position 3609, G replaced by A.
Protein change: p.Ala1203=; no amino-acid change (alanine 1203 retained).
Molecular consequence: synonymous variant. On other transcripts: intron variant (1).
Genome position (GRCh38, 1-based): chr15:90,804,217, G>A. VCF-style: chr15-90804217-G-A. GRCh37 (hg19) VCF-style: chr15-91347447-G-A.
Other names: c.3609G>A (LRG_20t1); c.3609G>A, p.Ala1203= (NM_001287246.2); c.2484G>A, p.Ala828= (NM_001287248.2); c.3359-4920G>A (NM_001287247.2).
Identifiers: ClinVar variation 413287 (VCV000413287.44), dbSNP rs151114049, ClinGen allele CA7739084.
Genomic context (GRCh38, chr15:90,804,217, plus strand): 5'-TCTCATAAAGGTAGACTTTATGGAAACAGAAAATTCCAGCAGTGTGAAAAAACAAAAAGC[G>A]TTAGTAGCAAAAGTGTCTCAGAGGGAAGAGATGGTTAAAAAATGTCTTGGAGAACTTACA-3'
Protein context (NP_000048.1, residues 1193-1213): ENSSSVKKQK[Ala1203=]LVAKVSQREE

ClinVar aggregate classification (germline): Likely benign. Review status: criteria provided, multiple submitters, no conflicts (2 of 4 stars). 7 submissions from 7 submitters: Likely benign (6). 1 of the submissions does not count toward it. Last evaluated 2026-05-31.

Conditions:
Hereditary cancer-predisposing syndrome. Also called: Tumor predisposition; Hereditary neoplastic syndrome; Hereditary Cancer Syndrome; Neoplastic Syndromes, Hereditary. Identifiers: Orphanet 140162, MedGen C0027672, MeSH D009386, MONDO:0015356.
Bloom syndrome (BLM). Also called: Bloom-Torre-Machacek syndrome. Identifiers: Orphanet 125, MedGen C0005859, MONDO:0008876, OMIM 210900.

Allele frequency attached by ClinVar (database versions not stated): gnomAD exomes 0.00001 and 0.00002; ExAC 0.00002; gnomAD 0.00002 and 0.00001; TOPMed 0.00002; ESP Exome Variant Server 0.00008; 1000 Genomes Project 30x 0.00016; 1000 Genomes Project 0.00020.
gnomAD v4.1: 18 of 1,614,058 alleles (0.0011%); highest among the groups gnomAD compares: East Asian, 0.0022%; no homozygotes.

Submissions (7):

Women's Health and Genetics/Laboratory Corporation of America, LabCorp
Classification: Likely benign. Last evaluated: 2026-05-31. Review status: criteria provided, single submitter. Criteria: LabCorp Variant Classification Summary - May 2015. Collection method: clinical testing. Allele origin: germline.

Labcorp Genetics (formerly Invitae), Labcorp
Classification: Likely benign for Bloom syndrome. Last evaluated: 2026-01-26. Review status: criteria provided, single submitter. Criteria: Invitae Variant Classification Sherloc (09022015). Collection method: clinical testing. Allele origin: germline.

CeGaT Center for Human Genetics Tuebingen
Classification: Likely benign. Last evaluated: 2023-10-01. Review status: criteria provided, single submitter. Criteria: CeGaT Center For Human Genetics Tuebingen Variant Classification Criteria Version 2. Collection method: clinical testing. Allele origin: germline. Affected: yes. Observed: 2 variant alleles.
Comment: BLM: BP4, BP7

Quest Diagnostics Nichols Institute San Juan Capistrano
Classification: Likely benign. Last evaluated: 2022-12-13. Review status: criteria provided, single submitter. Criteria: Quest Diagnostics criteria. Collection method: clinical testing. Allele origin: unknown.

Sema4
Classification: Likely benign for Hereditary cancer-predisposing syndrome. Last evaluated: 2021-03-08. Review status: criteria provided, single submitter. Criteria: Sema4 Curation Guidelines. Collection method: curation. Allele origin: germline.

Ambry Genetics
Classification: Likely benign for Hereditary cancer-predisposing syndrome. Last evaluated: 2018-05-18. Review status: criteria provided, single submitter. Criteria: Ambry Variant Classification Scheme 2023. Collection method: clinical testing. Allele origin: germline.

Natera, Inc.
Classification: Uncertain significance for Bloom syndrome. Last evaluated: 2020-01-24. Review status: no assertion criteria provided. Collection method: clinical testing. Allele origin: germline. Not counted in ClinVar's aggregate classification.